The following is an entry in ClinVar:

ClinVar aggregate classification (germline): Uncertain significance. Review status: criteria provided, multiple submitters, no conflicts (2 of 4 stars). 2 submissions from 2 submitters: Uncertain significance (2). Last evaluated 2025-07-02.

Allele frequency attached by ClinVar (database versions not stated): TOPMed 0.00001.
gnomAD v4.1: 6 of 1,613,068 alleles (0.00037%); highest among the groups gnomAD compares: Non-Finnish European, 0.00042%; no homozygotes.

Submissions (2):

Ambry Genetics
Classification: Uncertain significance. Last evaluated: 2025-07-02. Review status: criteria provided, single submitter. Criteria: Ambry Variant Classification Scheme 2023. Collection method: clinical testing. Allele origin: germline.

Labcorp Genetics (formerly Invitae), Labcorp
Classification: Uncertain significance. Last evaluated: 2024-01-18. Review status: criteria provided, single submitter. Criteria: Invitae Variant Classification Sherloc (09022015). Collection method: clinical testing. Allele origin: germline.
Comment: This sequence change replaces alanine, which is neutral and non-polar, with glutamic acid, which is acidic and polar, at codon 682 of the C2 protein (p.Ala682Glu). This variant is present in population databases (no rsID available, gnomAD 0.002%). This variant has not been reported in the literature in individuals affected with C2-related conditions. Advanced modeling of protein sequence and biophysical properties (such as structural, functional, and spatial information, amino acid conservation, physicochemical variation, residue mobility, and thermodynamic stability) performed at Invitae indicates that this missense variant is expected to disrupt C2 protein function with a positive predictive value of 80%. In summary, the available evidence is currently insufficient to determine the role of this variant in disease. Therefore, it has been classified as a Variant of Uncertain Significance.

NM_000063.6(C2):c.2045C>A (p.Ala682Glu)

Gene: C2 (complement C2; plus strand). Cytogenetic location: 6p21.33.
Variant type: single nucleotide variant.
Coding change: c.2045C>A on transcript NM_000063.6 (MANE Select); coding-DNA position 2045, C replaced by A.
Protein change: p.Ala682Glu; replaces alanine 682 with glutamic acid.
Molecular consequence: missense variant.
Genome position (GRCh38, 1-based): chr6:31,944,995, C>A. VCF-style: chr6-31944995-C-A. GRCh37 (hg19) VCF-style: chr6-31912772-C-A.
Other names: c.1649C>A, p.Ala550Glu (NM_001145903.3); c.1403C>A, p.Ala468Glu (NM_001178063.3); c.1307C>A, p.Ala436Glu (NM_001282457.2); c.1958C>A, p.Ala653Glu (NM_001282458.2); short protein forms A436E, A468E, A682E, A653E, A550E.
Identifiers: ClinVar variation 2890752 (VCV002890752.2), dbSNP rs1315909281, ClinGen allele CA363384762.